The following is an entry in ClinVar:

ClinVar aggregate classification (germline): Uncertain significance (1 of 4 stars; one submission).

Allele frequency attached by ClinVar (database versions not stated): ExAC 0.00001; gnomAD 0.00001; TOPMed 0.00001.
gnomAD v4.1: 8 of 1,613,904 alleles (0.0005%); highest among the groups gnomAD compares: Admixed American, 0.0083%; no homozygotes.

Submission:

Labcorp Genetics (formerly Invitae), Labcorp
Classification: Uncertain significance. Last evaluated: 2023-10-05. Review status: criteria provided, single submitter. Criteria: Invitae Variant Classification Sherloc (09022015). Collection method: clinical testing. Allele origin: germline.
Comment: This sequence change replaces valine, which is neutral and non-polar, with leucine, which is neutral and non-polar, at codon 1074 of the ADGRA3 protein (p.Val1074Leu). This variant is present in population databases (rs753989394, gnomAD 0.01%). This variant has not been reported in the literature in individuals affected with ADGRA3-related conditions. ClinVar contains an entry for this variant (Variation ID: 1063243). An algorithm developed to predict the effect of missense changes on protein structure and function (PolyPhen-2) suggests that this variant is likely to be tolerated. In summary, the available evidence is currently insufficient to determine the role of this variant in disease. Therefore, it has been classified as a Variant of Uncertain Significance.

NM_145290.4(ADGRA3):c.3220G>C (p.Val1074Leu)

Gene: ADGRA3 (adhesion G protein-coupled receptor A3; minus strand). Cytogenetic location: 4p15.2.
Variant type: single nucleotide variant.
Coding change: c.3220G>C on transcript NM_145290.4 (MANE Select); coding-DNA position 3220, G replaced by C.
Protein change: p.Val1074Leu; replaces valine 1074 with leucine.
Molecular consequence: missense variant.
Genome position (GRCh38, 1-based): chr4:22,388,451, C>G on the plus strand (G>C on the coding strand, the complement: ADGRA3 is on the minus strand). VCF-style: chr4-22388451-C-G. GRCh37 (hg19) VCF-style: chr4-22390074-C-G.
Other names: short protein forms V1074L.
Identifiers: ClinVar variation 1063243 (VCV001063243.7), dbSNP rs753989394, ClinGen allele CA2873417.